The following is an entry in ClinVar:

ClinVar aggregate classification (germline): Pathogenic/Likely pathogenic. Review status: criteria provided, multiple submitters, no conflicts (2 of 4 stars). 2 submissions from 2 submitters: Pathogenic (1); Likely pathogenic (1). Last evaluated 2025-07-17.

Conditions:
CSNK2A1-related neurodevelopmental syndrome.

Allele frequency attached by ClinVar (database versions not stated): gnomAD exomes below 0.00001; gnomAD 0.00001.
gnomAD v4.1: 2 of 1,613,068 alleles (0.00012%); highest among the groups gnomAD compares: Non-Finnish European, 0.000085%; no homozygotes.

Submissions (2):

GeneDx
Classification: Pathogenic. Last evaluated: 2025-07-17. Review status: criteria provided, single submitter. Criteria: GeneDx Variant Classification Process June 2021. Collection method: clinical testing. Allele origin: germline. Affected: yes.
Comment: Nonsense variant predicted to result in protein truncation or nonsense mediated decay in a gene for which loss of function is a known mechanism of disease; Not observed at significant frequency in large population cohorts (gnomAD); This variant is associated with the following publications: (PMID: 36098810)

Illumina Laboratory Services, Illumina
Classification: Likely pathogenic for CSNK2A1-related neurodevelopmental syndrome. Last evaluated: 2019-01-04. Review status: criteria provided, single submitter. Criteria: ICSLVariantClassificationCriteria RUGD 01 April 2020. Collection method: clinical testing. Allele origin: unknown.
Comment: The CSNK2A1 c.997C>T (p.Arg333Ter) variant is a stop-gained variant that is predicted to result in a premature termination of the protein. A literature search was performed for the gene, cDNA change, and amino acid change. No publications were found based on this search. This variant is not found in the Genome Aggregation Database and is in a region of good sequencing coverage so the variant is presumed to be rare. The p.Arg333Ter variant is located barely outside of the protein kinase domain, where the majority of reported pathogenic missense variants are located. Based on the de novo state of the variant and its rarity, the CSNK2A1 p.Arg333Ter variant is classified as likely pathogenic for CSNK2A1-related neurodevelopmental syndrome.

NM_177559.3(CSNK2A1):c.997C>T (p.Arg333Ter)

Gene: CSNK2A1 (casein kinase 2 alpha 1; minus strand). Cytogenetic location: 20p13.
Variant type: single nucleotide variant.
Coding change: c.997C>T on transcript NM_177559.3 (MANE Select); coding-DNA position 997, C replaced by T.
Protein change: p.Arg333Ter; replaces arginine 333 with a stop codon.
Molecular consequence: nonsense.
Genome position (GRCh38, 1-based): chr20:486,439, G>A on the plus strand (C>T on the coding strand, the complement: CSNK2A1 is on the minus strand). VCF-style: chr20-486439-G-A. GRCh37 (hg19) VCF-style: chr20-467083-G-A.
Other names: c.997C>T, p.Arg333Ter (NM_001362770.2, NM_001362771.2, NM_001895.4); c.589C>T, p.Arg197Ter (NM_177560.3); short protein forms R197*, R333*.
Identifiers: ClinVar variation 989368 (VCV000989368.6), dbSNP rs2018100989, ClinGen allele CA407922313.